The following is an entry in ClinVar:

ClinVar aggregate classification (germline): Uncertain significance (1 of 4 stars; one submission).

gnomAD v4.1: 2 of 1,614,060 alleles (0.00012%); highest among the groups gnomAD compares: Non-Finnish European, 0.00017%; no homozygotes.

Submission:

Labcorp Genetics (formerly Invitae), Labcorp
Classification: Uncertain significance. Last evaluated: 2024-12-17. Review status: criteria provided, single submitter. Criteria: Invitae Variant Classification Sherloc (09022015). Collection method: clinical testing. Allele origin: germline.
Comment: This sequence change replaces proline, which is neutral and non-polar, with glutamine, which is neutral and polar, at codon 98 of the FBLN5 protein (p.Pro98Gln). This variant is present in population databases (no rsID available, gnomAD 0.0009%). This variant has not been reported in the literature in individuals affected with FBLN5-related conditions. An algorithm developed to predict the effect of missense changes on protein structure and function (PolyPhen-2) suggests that this variant is likely to be disruptive. In summary, the available evidence is currently insufficient to determine the role of this variant in disease. Therefore, it has been classified as a Variant of Uncertain Significance.

NM_006329.4(FBLN5):c.293C>A (p.Pro98Gln)

Gene: FBLN5 (fibulin 5; minus strand). Cytogenetic location: 14q32.12.
Variant type: single nucleotide variant.
Coding change: c.293C>A on transcript NM_006329.4 (MANE Select); coding-DNA position 293, C replaced by A.
Protein change: p.Pro98Gln; replaces proline 98 with glutamine.
Molecular consequence: missense variant.
Genome position (GRCh38, 1-based): chr14:91,937,033, G>T on the plus strand (C>A on the coding strand, the complement: FBLN5 is on the minus strand). VCF-style: chr14-91937033-G-T. GRCh37 (hg19) VCF-style: chr14-92403377-G-T.
Other names: c.416C>A, p.Pro139Gln (NM_001384158.1); c.344C>A, p.Pro115Gln (NM_001384159.1); c.293C>A, p.Pro98Gln (NM_001384160.1); c.125C>A, p.Pro42Gln (NM_001384161.1, NM_001384162.1); short protein forms P139Q, P98Q, P115Q, P42Q.
Identifiers: ClinVar variation 3683763 (VCV003683763.2).